The following is an entry in ClinVar:

ClinVar aggregate classification (germline): Uncertain significance (1 of 4 stars; one submission).

Allele frequency attached by ClinVar (database versions not stated): gnomAD exomes below 0.00001; gnomAD 0.00001; TOPMed 0.00001.

Submission:

Labcorp Genetics (formerly Invitae), Labcorp
Classification: Uncertain significance. Last evaluated: 2022-02-19. Review status: criteria provided, single submitter. Criteria: Invitae Variant Classification Sherloc (09022015). Collection method: clinical testing. Allele origin: germline.
Comment: This sequence change falls in intron 5 of the SLC4A1 gene. It does not directly change the encoded amino acid sequence of the SLC4A1 protein. It affects a nucleotide within the consensus splice site. This variant is present in population databases (no rsID available, gnomAD 0.002%). This variant has not been reported in the literature in individuals affected with SLC4A1-related conditions. Variants that disrupt the consensus splice site are a relatively common cause of aberrant splicing (PMID: 17576681, 9536098). Algorithms developed to predict the effect of sequence changes on RNA splicing suggest that this variant may disrupt the consensus splice site. In summary, the available evidence is currently insufficient to determine the role of this variant in disease. Therefore, it has been classified as a Variant of Uncertain Significance.

Literature cited by the submitters: PubMed 17576681; PubMed 9536098.

NM_000342.4(SLC4A1):c.349+5G>A

Gene: SLC4A1 (solute carrier family 4 member 1 (Diego blood group); minus strand). Cytogenetic location: 17q21.31.
Variant type: single nucleotide variant.
Coding change: c.349+5G>A on transcript NM_000342.4 (MANE Select); 5 bases into the intron after coding-DNA position 349, G replaced by A.
Molecular consequence: intron variant.
Genome position (GRCh38, 1-based): chr17:44,260,630, C>T on the plus strand (G>A on the coding strand, the complement: SLC4A1 is on the minus strand). VCF-style: chr17-44260630-C-T. GRCh37 (hg19) VCF-style: chr17-42337998-C-T.
Identifiers: ClinVar variation 1934937 (VCV001934937.5), dbSNP rs934626183, ClinGen allele CA290935362.